The following is an entry in ClinVar:

NM_024422.6(DSC2):c.222G>T (p.Leu74Phe)

Gene: DSC2 (desmocollin 2; minus strand). Cytogenetic location: 18q12.1.
Variant type: single nucleotide variant.
Coding change: c.222G>T on transcript NM_024422.6 (MANE Select); coding-DNA position 222, G replaced by T.
Protein change: p.Leu74Phe; replaces leucine 74 with phenylalanine.
Molecular consequence: missense variant.
Genome position (GRCh38, 1-based): chr18:31,092,233, C>A on the plus strand (G>T on the coding strand, the complement: DSC2 is on the minus strand). VCF-style: chr18-31092233-C-A. GRCh37 (hg19) VCF-style: chr18-28672196-C-A.
Other names: c.222G>T, p.Leu74Phe (NM_004949.5); short protein forms L74F.
Identifiers: ClinVar variation 1481181 (VCV001481181.6), dbSNP rs2144846839, ClinGen allele CA402114848.

ClinVar aggregate classification (germline): Uncertain significance (1 of 4 stars; one submission).

Conditions:
Arrhythmogenic right ventricular dysplasia 11. Also called: Arrhythmogenic right ventricular dysplasia 11 with mild palmoplantar keratoderma and woolly hair; Arrhythmogenic Right Ventricular Dysplasia/Cardiomyopathy11; ARRHYTHMOGENIC RIGHT VENTRICULAR DYSPLASIA, FAMILIAL, 11. Identifiers: MedGen C1864850, MONDO:0012506, OMIM 610476.

Submission:

Labcorp Genetics (formerly Invitae), Labcorp
Classification: Uncertain significance for Arrhythmogenic right ventricular dysplasia 11. Last evaluated: 2022-09-03. Review status: criteria provided, single submitter. Criteria: Invitae Variant Classification Sherloc (09022015). Collection method: clinical testing. Allele origin: germline.
Comment: Algorithms developed to predict the effect of missense changes on protein structure and function output the following: SIFT: "Tolerated"; PolyPhen-2: "Benign"; Align-GVGD: "Class C0". The phenylalanine amino acid residue is found in multiple mammalian species, which suggests that this missense change does not adversely affect protein function. In summary, the available evidence is currently insufficient to determine the role of this variant in disease. Therefore, it has been classified as a Variant of Uncertain Significance. This sequence change replaces leucine, which is neutral and non-polar, with phenylalanine, which is neutral and non-polar, at codon 74 of the DSC2 protein (p.Leu74Phe). This variant is not present in population databases (gnomAD no frequency). This variant has not been reported in the literature in individuals affected with DSC2-related conditions. ClinVar contains an entry for this variant (Variation ID: 1481181).